The following is an entry in ClinVar:

NM_014946.4(SPAST):c.1577_1580del (p.Gly526fs)

Gene: SPAST (spastin; plus strand). Cytogenetic location: 2p22.3.
Variant type: Deletion.
Coding change: c.1577_1580del on transcript NM_014946.4 (MANE Select); coding-DNA positions 1577 to 1580, 4 bases deleted (GAAG; older notation c.1577_1580delGAAG).
Protein change: p.Gly526fs; shifts the reading frame from glycine 526.
Molecular consequence: frameshift variant.
Genome position (GRCh38, 1-based): chr2:32,143,376-32,143,379, GAAG deleted; deleting any 4 consecutive bases within chr2:32,143,373-32,143,379 gives the same sequence; the c. name uses the placement nearest the transcript's 3' end. VCF-style (leftmost placement, unchanged base first): chr2-32143372-CAAGG-C. GRCh37 (hg19) VCF-style: chr2-32368441-CAAGG-C.
Other names: p.Gly526Valfs*3; c.1577_1580delGAAG (NM_014946.3); c.1577_1580del (NM_014946.3); c.1574_1577del, p.Gly525fs (NM_001363823.2); c.1478_1481del, p.Gly493fs (NM_001363875.2); c.1481_1484del, p.Gly494fs (NM_001377959.1, NM_199436.2); short protein forms G493fs, G525fs, G494fs, G526fs.
Identifiers: ClinVar variation 536440 (VCV000536440.29), dbSNP rs1553319298, ClinGen allele CA658795708.

ClinVar aggregate classification (germline): Pathogenic/Likely pathogenic. Review status: criteria provided, multiple submitters, no conflicts (2 of 4 stars). 4 submissions from 4 submitters: Pathogenic (3); Likely pathogenic (1). Last evaluated 2024-07-19.

Conditions:
Hereditary spastic paraplegia 4. Also called: Spastic paraplegia 4, autosomal dominant; Spastic Paraplegia 4; Familial spastic paraplegia autosomal dominant 2. Identifiers: Orphanet 100985, MedGen C1866855, MONDO:0008438, OMIM 182601.

Submissions (4):

Mayo Clinic Laboratories, Mayo Clinic
Classification: Likely pathogenic. Last evaluated: 2024-07-19. Review status: criteria provided, single submitter. Criteria: ACMG Guidelines, 2015. Collection method: clinical testing. Allele origin: germline. Observed: 1 variant allele.
Comment: PM2, PVS1

CeGaT Center for Human Genetics Tuebingen
Classification: Pathogenic. Last evaluated: 2024-07-01. Review status: criteria provided, single submitter. Criteria: CeGaT Center For Human Genetics Tuebingen Variant Classification Criteria Version 2. Collection method: clinical testing. Allele origin: germline. Affected: yes. Observed: 1 variant allele.
Comment: SPAST: PVS1, PM2, PS4:Supporting

GeneDx
Classification: Pathogenic. Last evaluated: 2024-01-16. Review status: criteria provided, single submitter. Criteria: GeneDx Variant Classification Process June 2021. Collection method: clinical testing. Allele origin: germline. Affected: yes.
Comment: Frameshift variant predicted to result in protein truncation or nonsense mediated decay in a gene for which loss of function is a known mechanism of disease; Not observed at significant frequency in large population cohorts (gnomAD); This variant is associated with the following publications: (PMID: 12552568)

Labcorp Genetics (formerly Invitae), Labcorp
Classification: Pathogenic for Hereditary spastic paraplegia 4. Last evaluated: 2022-08-17. Review status: criteria provided, single submitter. Criteria: Invitae Variant Classification Sherloc (09022015). Collection method: clinical testing. Allele origin: germline.
Comment: This variant is also known as 1702_1705delGAAG. ClinVar contains an entry for this variant (Variation ID: 536440). For these reasons, this variant has been classified as Pathogenic. This premature translational stop signal has been observed in individuals with spastic paraplegia (PMID: 12552568; Invitae). This variant is not present in population databases (gnomAD no frequency). This sequence change creates a premature translational stop signal (p.Gly526Valfs*3) in the SPAST gene. It is expected to result in an absent or disrupted protein product. Loss-of-function variants in SPAST are known to be pathogenic (PMID: 20932283).

Literature cited by the submitters: PubMed 12552568 (cited by Mayo Clinic Laboratories, Mayo Clinic and Labcorp Genetics (formerly Invitae), Labcorp); PubMed 36825575 (cited by Mayo Clinic Laboratories, Mayo Clinic); PubMed 20932283 (cited by Labcorp Genetics (formerly Invitae), Labcorp).